The following is an entry in ClinVar:

NM_007294.4(BRCA1):c.3305A>G (p.Asn1102Ser)

Genes: BRCA1 (BRCA1 DNA repair associated; minus strand), LOC126862571 (BRD4-independent group 4 enhancer GRCh37_chr17:41243136-41244335; plus strand). Cytogenetic location: 17q21.31.
Variant type: single nucleotide variant.
Coding change: c.3305A>G on transcript NM_007294.4 (MANE Select); coding-DNA position 3305, A replaced by G.
Protein change: p.Asn1102Ser; replaces asparagine 1102 with serine.
Molecular consequence: missense variant. On other transcripts: intron variant (137).
Genome position (GRCh38, 1-based): chr17:43,092,226, T>C on the plus strand (A>G on the coding strand, the complement: BRCA1 is on the minus strand). VCF-style: chr17-43092226-T-C. GRCh37 (hg19) VCF-style: chr17-41244243-T-C.
Other names: c.3092A>G, p.Asn1031Ser (NM_001407571.1, NM_001407853.1, NM_001407894.1 and 9 more transcripts); c.3305A>G, p.Asn1102Ser (NM_001407581.1, NM_001407582.1, NM_001407583.1 and 30 more transcripts); c.3302A>G, p.Asn1101Ser (NM_001407587.1, NM_001407590.1, NM_001407591.1 and 22 more transcripts); c.3296A>G, p.Asn1099Ser (NM_001407646.1, NM_001407647.1); c.3182A>G, p.Asn1061Ser (NM_001407648.1, NM_001407664.1, NM_001407665.1 and 19 more transcripts); c.3179A>G, p.Asn1060Ser (NM_001407649.1, NM_001407670.1, NM_001407671.1 and 11 more transcripts); c.3227A>G, p.Asn1076Ser (NM_001407653.1, NM_001407654.1, NM_001407655.1 and 4 more transcripts); c.3224A>G, p.Asn1075Ser (NM_001407659.1, NM_001407660.1, NM_001407661.1 and 1 more transcripts); and 41 more; short protein forms N1102S, N1055S, N1013S, N1032S, N1034S, N1035S, N1061S, N1099S.
Identifiers: ClinVar variation 54831 (VCV000054831.29), dbSNP rs80356900, ClinGen allele CA002133.
Genomic context (GRCh38, chr17:43,092,226, plus strand): 5'-GTATTAACAGTCTGAACTACTTCTTCATATTCTTGCTTTTTTATTTCAGGATGCTTACAA[T>C]TACTTCCAGGAAGACTTTGTTTATAGACCTCAGGTTGCAAAACCCCTAATCTAAGCATAG-3'
Protein context (NP_009225.1, residues 1092-1112): EVYKQSLPGS[Asn1102Ser]CKHPEIKKQE

ClinVar aggregate classification (germline): Conflicting classifications of pathogenicity. Review status: criteria provided, conflicting classifications (1 of 4 stars). 10 submissions from 10 submitters: Uncertain significance (5); Likely benign (4). 1 of the submissions does not count toward it. Last evaluated 2025-11-05.

Conditions:
Fanconi anemia, complementation group S (FANCS). Identifiers: MedGen C4554406, MONDO:0054748, OMIM 617883.
Hereditary cancer-predisposing syndrome. Also called: Tumor predisposition; Neoplastic Syndromes, Hereditary; Hereditary Cancer Syndrome; Hereditary neoplastic syndrome. Identifiers: Orphanet 140162, MedGen C0027672, MeSH D009386, MONDO:0015356.
Hereditary breast ovarian cancer syndrome. Also called: Hereditary breast and ovarian cancer syndrome (HBOC); Hereditary breast and ovarian cancer syndrome; Hereditary breast and ovarian cancer; Hereditary breast and/or ovarian cancer syndrome; Breast and ovarian cancer; BRCA1- and BRCA2-Associated Hereditary Breast and Ovarian Cancer. Identifiers: Orphanet 145, MedGen C0677776, MeSH D061325, MONDO:0003582. Disease mechanism: loss of function.
Breast-ovarian cancer, familial, susceptibility to, 1 (BROVCA1). Also called: OVARIAN CANCER, SUSCEPTIBILITY TO; BRCA1 Hereditary Breast and Ovarian Cancer. Identifiers: Orphanet 145, MedGen C2676676, MONDO:0011450, OMIM 604370. Disease mechanism: loss of function.

Allele frequency attached by ClinVar (database versions not stated): TOPMed 0.00001; ExAC 0.00002; ESP Exome Variant Server 0.00008; gnomAD 0.00001; gnomAD exomes 0.00001.
gnomAD v4.1: 9 of 1,613,422 alleles (0.00056%); highest among the groups gnomAD compares: Non-Finnish European, 0.00025%; no homozygotes.

Submissions (10):

Labcorp Genetics (formerly Invitae), Labcorp
Classification: Likely benign for Hereditary breast ovarian cancer syndrome. Last evaluated: 2025-11-05. Review status: criteria provided, single submitter. Criteria: Invitae Variant Classification Sherloc (09022015). Collection method: clinical testing. Allele origin: germline.

Ambry Genetics
Classification: Uncertain significance for Hereditary cancer-predisposing syndrome. Last evaluated: 2025-08-06. Review status: criteria provided, single submitter. Criteria: Ambry Variant Classification Scheme 2023. Collection method: clinical testing. Allele origin: germline.
Comment: The p.N1102S variant (also known as c.3305A>G), located in coding exon 9 of the BRCA1 gene, results from an A to G substitution at nucleotide position 3305. The asparagine at codon 1102 is replaced by serine, an amino acid with highly similar properties. This alteration was reported with a minor allele frequency of 0.30% in a Croatian cohort of 167 patients with a personal and/or family history of breast and/or ovarian cancer (Levanat S et al. Gene 2012 May; 498(2):169-76). This amino acid position is not well conserved in available vertebrate species. In addition, this alteration is predicted to be tolerated by in silico analysis. Since supporting evidence is limited at this time, the clinical significance of this alteration remains unclear.

Women's Health and Genetics/Laboratory Corporation of America, LabCorp
Classification: Uncertain significance. Last evaluated: 2024-08-05. Review status: criteria provided, single submitter. Criteria: LabCorp Variant Classification Summary - May 2015. Collection method: clinical testing. Allele origin: germline.
Comment: Variant summary: BRCA1 c.3305A>G (p.Asn1102Ser) results in a conservative amino acid change in the encoded protein sequence. Five of five in-silico tools predict a benign effect of the variant on protein function. The variant allele was found at a frequency of 8e-06 in 250622 control chromosomes. The available data on variant occurrences in the general population are insufficient to allow any conclusion about variant significance. c.3305A>G has been reported in the literature in studies involving individuals affected with Hereditary Breast and Ovarian Cancer (example, Judkins_2005, Caux-Moncoutier_2011, Levanat_2012, Nagy_2021). However, these report(s) do not provide unequivocal conclusions about association of the variant with Hereditary Breast And Ovarian Cancer Syndrome. To our knowledge, no experimental evidence demonstrating an impact on protein function has been reported. The following publications have been ascertained in the context of this evaluation (PMID: 21120943, 16267036, 22366370, 34287479, 31112341, 15385441). ClinVar contains an entry for this variant (Variation ID: 54831). Based on the evidence outlined above, the variant was classified as uncertain significance.

All of Us Research Program, National Institutes of Health
Classification: Likely benign for Breast-ovarian cancer, familial, susceptibility to, 1. Last evaluated: 2023-10-27. Review status: criteria provided, single submitter. Criteria: ACMG Guidelines, 2015. Collection method: clinical testing. Allele origin: germline. Inheritance: Autosomal dominant inheritance. Observed: 2 variant alleles, 2 heterozygotes.
Comment: This study involves interpretation of variants in research participants for the purpose of population health screening. Participant phenotype was not available at the time of variant classification. Additional details can be found in publication PMID: 35346344, PMCID: PMC8962531

University of Washington Department of Laboratory Medicine, University of Washington
Classification: Likely benign for Hereditary cancer-predisposing syndrome. Last evaluated: 2023-03-23. Review status: criteria provided, single submitter. Criteria: Dines et al. (Genet Med. 2020). Collection method: curation. Allele origin: germline.
Comment: Missense variant in a coldspot region where missense variants are very unlikely to be pathogenic (PMID:31911673).

BRCA1 coldspot (exon 11 using historical exon numbering). Reclassification based on statistical prior probability

Department of Pathology and Laboratory Medicine, Sinai Health System
Classification: Uncertain significance for Fanconi anemia, complementation group S. Last evaluated: 2022-11-16. Review status: criteria provided, single submitter. Criteria: ACMG Guidelines, 2015. Collection method: clinical testing. Allele origin: germline. Affected: no.

GeneDx
Classification: Uncertain significance. Last evaluated: 2020-06-01. Review status: criteria provided, single submitter. Criteria: GeneDx Variant Classification Process June 2021. Collection method: clinical testing. Allele origin: germline. Affected: yes.
Comment: Not observed at a significant frequency in large population cohorts (Lek 2016); In silico analysis supports that this missense variant has a deleterious effect on protein structure/function; Observed in individuals with personal and/or family histories of breast and/or ovarian cancer (Judkins 2005, Caux-Moncoutier 2011, Levanat 2012); This variant is associated with the following publications: (PMID: 25348012, 31131967, 16267036, 21120943, 22366370)

Quest Diagnostics Nichols Institute San Juan Capistrano
Classification: Uncertain significance. Last evaluated: 2017-06-07. Review status: criteria provided, single submitter. Criteria: Quest Diagnostics criteria. Collection method: clinical testing. Allele origin: germline.

Color Diagnostics, LLC DBA Color Health
Classification: Likely benign for Hereditary cancer-predisposing syndrome. Last evaluated: 2017-05-08. Review status: criteria provided, single submitter. Criteria: ACMG Guidelines, 2015. Collection method: clinical testing. Allele origin: germline.

Breast Cancer Information Core (BIC) (BRCA1)
Classification: Uncertain significance for Breast-ovarian cancer, familial 1. Last evaluated: 2004-02-20. Review status: no assertion criteria provided. Collection method: clinical testing. Allele origin: germline. Affected: yes. Observed: 1 variant allele. Not counted in ClinVar's aggregate classification.

Literature cited by the submitters: PubMed 22366370 (cited by 4 submitters); PubMed 16267036 (cited by Women's Health and Genetics/Laboratory Corporation of America, LabCorp and Quest Diagnostics Nichols Institute San Juan Capistrano); PubMed 15385441 (cited by Women's Health and Genetics/Laboratory Corporation of America, LabCorp); PubMed 21120943 (cited by 3 submitters); PubMed 31112341 (cited by Women's Health and Genetics/Laboratory Corporation of America, LabCorp); PubMed 34287479 (cited by Women's Health and Genetics/Laboratory Corporation of America, LabCorp); PubMed 25348012 (cited by Quest Diagnostics Nichols Institute San Juan Capistrano).